The following is an entry in ClinVar:

ClinVar aggregate classification (germline): Uncertain significance (1 of 4 stars; one submission).

Conditions:
Vein of Galen aneurysmal malformation (VGAM). Also called: Vein of Galen aneurysm; Aneurysm of the vein of Galen; Ectasia or varix of the vein of Galen; Galenic arteriovenous malformation; Vein of Galen aneurysm malformation; Galen vein aneurysm. Identifiers: Orphanet 1053, MedGen C0431420, MONDO:0015196, HP:0030713.

Submission:

Clinical Genomics Laboratory, Washington University in St. Louis
Classification: Uncertain significance for Vein of Galen aneurysmal malformation. Last evaluated: 2026-02-01. Review status: criteria provided, single submitter. Criteria: ACMG Guidelines, 2015. Collection method: clinical testing. Allele origin: germline.
Comment: A KEL c.1631C>A (p.Ser544*) variant was identified at a near heterozygous allelic fraction of 47.5%, a frequency which may be consistent with germline origin. This single nucleotide variant leads to a premature termination codon, which is predicted to lead to nonsense mediated decay. However, data from population databases indicate that KEL is not significantly constrained against loss of function variation (gnomAD v4.1.0). This variant, to our knowledge, has not been reported in the medical literature, but another nonsense variant in the same domain has been identified in an individual with a choroidal vein of galen malformation (Duran D et al., PMID: 30578106). KEL c.1631C>A (p.Ser544*) is only observed on 4/1,614,116 alleles in the general population (gnomAD v4.1.0), indicating it is not a common variant. This variant resides within a region, the peptidase domain, of KEL that is defined as a critical functional domain (Duran D et al., PMID: 30578106; Lee S et al., PMID: 10438732). Based on the available information and the ACMG/AMP guidelines for variant interpretation (Richards S et al., PMID: 25741868), this variant is classified as being of uncertain clinical significance.

NM_000420.3(KEL):c.1631C>A (p.Ser544Ter)

Gene: KEL (Kell metallo-endopeptidase (Kell blood group); minus strand). Cytogenetic location: 7q34.
Variant type: single nucleotide variant.
Coding change: c.1631C>A on transcript NM_000420.3 (MANE Select); coding-DNA position 1631, C replaced by A.
Protein change: p.Ser544Ter; replaces serine 544 with a stop codon.
Molecular consequence: nonsense.
Genome position (GRCh38, 1-based): chr7:142,943,558, G>T on the plus strand (C>A on the coding strand, the complement: KEL is on the minus strand). VCF-style: chr7-142943558-G-T. GRCh37 (hg19) VCF-style: chr7-142640645-G-T.
Other names: short protein forms S544*.
Identifiers: ClinVar variation 4974617 (VCV004974617.1).